The following is an entry in ClinVar:

NM_016333.4(SRRM2):c.7103G>T (p.Ser2368Ile)

Gene: SRRM2 (serine/arginine repetitive matrix 2; plus strand). Cytogenetic location: 16p13.3.
Variant type: single nucleotide variant.
Coding change: c.7103G>T on transcript NM_016333.4 (MANE Select); coding-DNA position 7103, G replaced by T.
Protein change: p.Ser2368Ile; replaces serine 2368 with isoleucine.
Molecular consequence: missense variant.
Genome position (GRCh38, 1-based): chr16:2,767,631, G>T. VCF-style: chr16-2767631-G-T. GRCh37 (hg19) VCF-style: chr16-2817632-G-T.
Other names: short protein forms S2368I.
Identifiers: ClinVar variation 4883188 (VCV004883188.2).
Genomic context (GRCh38, chr16:2,767,631, plus strand): 5'-CTCCTGTGAATATTGCCGGCTCCAGAACCGCCGCAGCCTTGGCCCCCGCGAGCCTCACCA[G>T]TGCTAGGATGGCTCCAGCATTGTCTGGTGCAAACCTCACCAGCCCCAGGGTGCCCCTTTC-3'
Protein context (NP_057417.3, residues 2358-2378): AAALAPASLT[Ser2368Ile]ARMAPALSGA

ClinVar aggregate classification (germline): Uncertain significance (1 of 4 stars; one submission).

Submission:

Dasa
Classification: Uncertain significance. Last evaluated: 2026-04-17. Review status: criteria provided, single submitter. Criteria: DASA Assertion Criteria. Collection method: clinical testing. Allele origin: germline.
Comment: NM_016333.4(SRRM2):c.7103G>T (p.Ser2368Ile) is a missense variant that results in the substitution of serine with isoleucine. This variant is rare in population databases. The currently available literature and clinical evidence are not sufficient to establish a definitive association between this variant and the reported condition. Therefore, this variant is classified as a variant of uncertain significance.